The following is an entry in ClinVar:

NM_031407.7(HUWE1):c.2972A>T (p.Asp991Val)

Gene: HUWE1 (HECT, UBA and WWE domain containing E3 ubiquitin protein ligase 1; minus strand). Cytogenetic location: Xp11.22.
Variant type: single nucleotide variant.
Coding change: c.2972A>T on transcript NM_031407.7 (MANE Select); coding-DNA position 2972, A replaced by T.
Protein change: p.Asp991Val; replaces aspartic acid 991 with valine.
Molecular consequence: missense variant.
Genome position (GRCh38, 1-based): chrX:53,600,309, T>A on the plus strand (A>T on the coding strand, the complement: HUWE1 is on the minus strand). VCF-style: chrX-53600309-T-A. GRCh37 (hg19) VCF-style: chrX-53627269-T-A.
Other names: c.2972A>T, p.Asp991Val (NM_001441048.1, NM_001441049.1, NM_001441051.1 and 6 more transcripts); c.2993A>T, p.Asp998Val (NM_001441050.1, NM_001441055.1); short protein forms D991V, D998V.
Identifiers: ClinVar variation 4681026 (VCV004681026.1).
Genomic context (GRCh38, chrX:53,600,309, plus strand): 5'-CCTTCTAATAAGCCCTGGGTAGAAGCATCCATACTTCCAGCTGCTCCATCCTGTTCCCCA[T>A]CTACAGATGTATAAGAGGGGAGCAATAGGACAATGTAGAGCCAACATTTACCTGGTTCCT-3'
Protein context (NP_113584.3, residues 981-1001): AGTTQGGKRS[Asp991Val]GEQDGAAGSM

ClinVar aggregate classification (germline): Uncertain significance (1 of 4 stars; one submission).

Submission:

GeneDx
Classification: Uncertain significance. Last evaluated: 2025-06-30. Review status: criteria provided, single submitter. Criteria: GeneDx Variant Classification Process June 2021. Collection method: clinical testing. Allele origin: germline. Affected: yes.
Comment: Not observed at significant frequency in large population cohorts (gnomAD); In silico analysis suggests that this missense variant does not alter protein structure/function; Has not been previously published as pathogenic or benign to our knowledge